The following is an entry in ClinVar:

ClinVar aggregate classification (germline): Conflicting classifications of pathogenicity. Review status: criteria provided, conflicting classifications (1 of 4 stars). 6 submissions from 6 submitters: Uncertain significance (5); Likely benign (1). Last evaluated 2025-06-12.

Conditions:
Hereditary cancer-predisposing syndrome. Also called: Neoplastic Syndromes, Hereditary; Tumor predisposition; Hereditary Cancer Syndrome; Hereditary neoplastic syndrome. Identifiers: Orphanet 140162, MedGen C0027672, MeSH D009386, MONDO:0015356.
Hereditary breast ovarian cancer syndrome. Also called: Hereditary breast and ovarian cancer syndrome; BRCA1- and BRCA2-Associated Hereditary Breast and Ovarian Cancer; Breast and ovarian cancer; Hereditary breast and/or ovarian cancer syndrome; Hereditary breast and ovarian cancer; Hereditary breast and ovarian cancer syndrome (HBOC). Identifiers: Orphanet 145, MedGen C0677776, MeSH D061325, MONDO:0003582. Disease mechanism: loss of function.
Familial cancer of breast. Also called: BREAST CANCER, FAMILIAL; hereditary breast carcinoma; Hereditary breast cancer. Identifiers: Orphanet 227535, MedGen C0346153, MONDO:0016419, OMIM 114480. Disease mechanism: loss of function.

Submissions (6):

Color Diagnostics, LLC DBA Color Health
Classification: Uncertain significance for Hereditary cancer-predisposing syndrome. Last evaluated: 2025-06-12. Review status: criteria provided, single submitter. Criteria: ACMG Guidelines, 2015. Collection method: clinical testing. Allele origin: germline.
Comment: This missense variant replaces leucine with methionine at codon 2631 of the BRCA2 protein. Computational prediction is inconclusive regarding the impact of this variant on protein structure and function . Functional studies reported that this variant does not impact BRCA2 function in a haploid cell proliferation assay and in sensitivity assays to cisplatin and PARP inhibitor (PMID: 39779848, 39779857). A multifactorial analysis has reported a likelihood ratio for pathogenicity based on personal and family history of 2.013 from log(LR)=0.3038 for one carrier (PMID: 31853058). This variant has not been identified in the general population by the Genome Aggregation Database (gnomAD). The available evidence is insufficient to determine the role of this variant in disease conclusively. Therefore, this variant is classified as a Variant of Uncertain Significance.

Quest Diagnostics Nichols Institute San Juan Capistrano
Classification: Uncertain significance. Last evaluated: 2025-01-11. Review status: criteria provided, single submitter. Criteria: Quest Diagnostics criteria. Collection method: clinical testing. Allele origin: unknown.
Comment: The BRCA2 c.7891C>A (p.Leu2631Met) variant has not been reported in individuals with BRCA2-related conditions in the published literature. It also has not been reported in large, multi-ethnic general populations (Genome Aggregation Database). Analysis of this variant using bioinformatics tools for the prediction of the effect of amino acid changes on protein structure and function yielded conflicting predictions that this variant is benign or damaging. Based on the available information, we are unable to determine the clinical significance of this variant.

Baylor Genetics
Classification: Uncertain significance for Familial cancer of breast. Last evaluated: 2024-03-20. Review status: criteria provided, single submitter. Criteria: ACMG Guidelines, 2015. Collection method: clinical testing. Allele origin: unknown.

Labcorp Genetics (formerly Invitae), Labcorp
Classification: Uncertain significance for Hereditary breast ovarian cancer syndrome. Last evaluated: 2024-01-22. Review status: criteria provided, single submitter. Criteria: Invitae Variant Classification Sherloc (09022015). Collection method: clinical testing. Allele origin: germline.
Comment: This sequence change replaces leucine, which is neutral and non-polar, with methionine, which is neutral and non-polar, at codon 2631 of the BRCA2 protein (p.Leu2631Met). This variant is not present in population databases (gnomAD no frequency). This variant has not been reported in the literature in individuals affected with BRCA2-related conditions. ClinVar contains an entry for this variant (Variation ID: 233622). Advanced modeling of protein sequence and biophysical properties (such as structural, functional, and spatial information, amino acid conservation, physicochemical variation, residue mobility, and thermodynamic stability) performed at Invitae indicates that this missense variant is not expected to disrupt BRCA2 protein function with a negative predictive value of 95%. In summary, the available evidence is currently insufficient to determine the role of this variant in disease. Therefore, it has been classified as a Variant of Uncertain Significance.

Women's Health and Genetics/Laboratory Corporation of America, LabCorp
Classification: Uncertain significance. Last evaluated: 2022-11-05. Review status: criteria provided, single submitter. Criteria: LabCorp Variant Classification Summary - May 2015. Collection method: clinical testing. Allele origin: germline.

Ambry Genetics
Classification: Likely benign for Hereditary cancer-predisposing syndrome. Last evaluated: 2022-01-05. Review status: criteria provided, single submitter. Criteria: Ambry Variant Classification Scheme 2023. Collection method: clinical testing. Allele origin: germline.

Literature cited by the submitters: PubMed 31853058 (cited by Color Diagnostics, LLC DBA Color Health and Quest Diagnostics Nichols Institute San Juan Capistrano); PubMed 39779848 (cited by Color Diagnostics, LLC DBA Color Health); PubMed 39779857 (cited by Color Diagnostics, LLC DBA Color Health).

NM_000059.4(BRCA2):c.7891C>A (p.Leu2631Met)

Gene: BRCA2 (BRCA2 DNA repair associated; plus strand). Cytogenetic location: 13q13.1.
Variant type: single nucleotide variant.
Coding change: c.7891C>A on transcript NM_000059.4 (MANE Select); coding-DNA position 7891, C replaced by A.
Protein change: p.Leu2631Met; replaces leucine 2631 with methionine.
Molecular consequence: missense variant.
Genome position (GRCh38, 1-based): chr13:32,362,608, C>A. VCF-style: chr13-32362608-C-A. GRCh37 (hg19) VCF-style: chr13-32936745-C-A.
Other names: short protein forms L2631M.
Identifiers: ClinVar variation 233622 (VCV000233622.15), dbSNP rs876660528, ClinGen allele CA10579759.
Genomic context (GRCh38, chr13:32,362,608, plus strand): 5'-GATCCAAAGCTTATTTCTAGAATTTGGGTTTATAATCACTATAGATGGATCATATGGAAA[C>A]TGGCAGCTATGGAATGTGCCTTTCCTAAGGAATTTGCTAATAGATGCCTAAGCCCAGAAA-3'
Protein context (NP_000050.3, residues 2621-2641): YNHYRWIIWK[Leu2631Met]AAMECAFPKE